The following is an entry in ClinVar:

NM_182931.3(KMT2E):c.5143C>T (p.Pro1715Ser)

Gene: KMT2E (lysine methyltransferase 2E (inactive); plus strand). Cytogenetic location: 7q22.3.
Variant type: single nucleotide variant.
Coding change: c.5143C>T on transcript NM_182931.3 (MANE Select); coding-DNA position 5143, C replaced by T.
Protein change: p.Pro1715Ser; replaces proline 1715 with serine.
Molecular consequence: missense variant.
Genome position (GRCh38, 1-based): chr7:105,112,899, C>T. VCF-style: chr7-105112899-C-T. GRCh37 (hg19) VCF-style: chr7-104753346-C-T.
Other names: c.5017C>T, p.Pro1673Ser (NM_001410908.1); c.5143C>T, p.Pro1715Ser (NM_018682.4); short protein forms P1715S, P1673S.
Identifiers: ClinVar variation 2175317 (VCV002175317.1), dbSNP rs748835448, ClinGen allele CA4424919.

ClinVar aggregate classification (germline): Uncertain significance (1 of 4 stars; one submission).

Allele frequency attached by ClinVar (database versions not stated): gnomAD 0.00001.
gnomAD v4.1: 9 of 1,605,926 alleles (0.00056%); highest among the groups gnomAD compares: Middle Eastern, 0.017%; no homozygotes.

Submission:

Labcorp Genetics (formerly Invitae), Labcorp
Classification: Uncertain significance. Last evaluated: 2022-03-29. Review status: criteria provided, single submitter. Criteria: Invitae Variant Classification Sherloc (09022015). Collection method: clinical testing. Allele origin: germline.
Comment: This sequence change replaces proline, which is neutral and non-polar, with serine, which is neutral and polar, at codon 1715 of the KMT2E protein (p.Pro1715Ser). This variant is present in population databases (rs748835448, gnomAD 0.003%). This missense change has been observed in individual(s) with clinical features of KMT2E-related conditions (Invitae). Algorithms developed to predict the effect of missense changes on protein structure and function (SIFT, PolyPhen-2, Align-GVGD) all suggest that this variant is likely to be tolerated. In summary, the available evidence is currently insufficient to determine the role of this variant in disease. Therefore, it has been classified as a Variant of Uncertain Significance.